The following is an entry in ClinVar:

NM_000352.6(ABCC8):c.4564G>A (p.Val1522Met)

Gene: ABCC8 (ATP binding cassette subfamily C member 8; minus strand). Cytogenetic location: 11p15.1.
Variant type: single nucleotide variant.
Coding change: c.4564G>A on transcript NM_000352.6 (MANE Select); coding-DNA position 4564, G replaced by A.
Protein change: p.Val1522Met; replaces valine 1522 with methionine.
Molecular consequence: missense variant. On other transcripts: non-coding transcript variant (1).
Genome position (GRCh38, 1-based): chr11:17,393,741, C>T on the plus strand (G>A on the coding strand, the complement: ABCC8 is on the minus strand). VCF-style: chr11-17393741-C-T. GRCh37 (hg19) VCF-style: chr11-17415288-C-T.
Other names: c.4567G>A, p.Val1523Met (NM_001287174.3); c.4630G>A, p.Val1544Met (NM_001351295.2); c.4564G>A, p.Val1522Met (NM_001351296.2); c.4561G>A, p.Val1521Met (NM_001351297.2); short protein forms V1522M, V1523M, V1521M, V1544M.
Identifiers: ClinVar variation 35622 (VCV000035622.5), dbSNP rs193922407, ClinGen allele CA213467.

ClinVar aggregate classification (germline): Pathogenic. Review status: criteria provided, multiple submitters, no conflicts (2 of 4 stars). 2 submissions from 2 submitters: Pathogenic (2). Last evaluated 2025-07-21.

Conditions:
Diabetes mellitus, permanent neonatal 3. Also called: ABCC8-Related Permanent Neonatal Diabetes Mellitus. Identifiers: MedGen C5394303, MONDO:0030088, OMIM 618857.

Submissions (2):

Women's Health and Genetics/Laboratory Corporation of America, LabCorp
Classification: Pathogenic for Diabetes mellitus, permanent neonatal 3. Last evaluated: 2025-07-21. Review status: criteria provided, single submitter. Criteria: LabCorp Variant Classification Summary - May 2015. Collection method: clinical testing. Allele origin: germline.
Comment: Variant summary: ABCC8 c.4564G>A (p.Val1522Met) results in a conservative amino acid change in the encoded protein sequence. Algorithms developed to predict the effect of missense changes on protein structure and function are either unavailable or do not agree on the potential impact of this missense change. The variant was absent in 251568 control chromosomes. c.4564G>A has been observed in heterozygous individual(s) affected with permanent neonatal diabetes mellitus or early onset diabetes, including one case where it was confirmed to be de novo (e.g. Vaxillaire_2007, Sood_2017, internal data). These data indicate that the variant is very likely associated with disease. To our knowledge, no experimental evidence demonstrating an impact on protein function has been reported. The following publications have been ascertained in the context of this evaluation (PMID: 28540314, 17389331). ClinVar contains an entry for this variant (Variation ID: 35622). Based on the evidence outlined above, the variant was classified as pathogenic for autosomal dominant neonatal diabetes mellitus/early onset diabetes.

Labcorp Genetics (formerly Invitae), Labcorp
Classification: Pathogenic. Last evaluated: 2025-04-01. Review status: criteria provided, single submitter. Criteria: Invitae Variant Classification Sherloc (09022015). Collection method: clinical testing. Allele origin: germline.
Comment: This sequence change replaces valine, which is neutral and non-polar, with methionine, which is neutral and non-polar, at codon 1522 of the ABCC8 protein (p.Val1522Met). This variant is not present in population databases (gnomAD no frequency). This missense change has been observed in individual(s) with autosomal dominant neonatal diabetes mellitus (PMID: 17389331, 21953423, 28540314; internal data). In at least one individual the variant was observed to be de novo. This variant is also known as c.4567G>A (p.Val1523Met). ClinVar contains an entry for this variant (Variation ID: 35622). Invitae Evidence Modeling of protein sequence and biophysical properties (such as structural, functional, and spatial information, amino acid conservation, physicochemical variation, residue mobility, and thermodynamic stability) has been performed for this missense variant. However, the output from this modeling did not meet the statistical confidence thresholds required to predict the impact of this variant on ABCC8 protein function. For these reasons, this variant has been classified as Pathogenic.

Literature cited by the submitters: PubMed 17389331 (cited by Women's Health and Genetics/Laboratory Corporation of America, LabCorp and Labcorp Genetics (formerly Invitae), Labcorp); PubMed 28540314 (cited by Women's Health and Genetics/Laboratory Corporation of America, LabCorp and Labcorp Genetics (formerly Invitae), Labcorp); PubMed 21953423 (cited by Labcorp Genetics (formerly Invitae), Labcorp).